The following is an entry in ClinVar:

NM_000271.5(NPC1):c.2495A>T (p.Asp832Val)

Gene: NPC1 (NPC intracellular cholesterol transporter 1; minus strand). Cytogenetic location: 18q11.2.
Variant type: single nucleotide variant.
Coding change: c.2495A>T on transcript NM_000271.5 (MANE Select); coding-DNA position 2495, A replaced by T.
Protein change: p.Asp832Val; replaces aspartic acid 832 with valine.
Molecular consequence: missense variant.
Genome position (GRCh38, 1-based): chr18:23,541,087, T>A on the plus strand (A>T on the coding strand, the complement: NPC1 is on the minus strand). VCF-style: chr18-23541087-T-A. GRCh37 (hg19) VCF-style: chr18-21121051-T-A.
Other names: short protein forms D832V.
Identifiers: ClinVar variation 2507291 (VCV002507291.1), dbSNP rs777638790, ClinGen allele CA401793307.

ClinVar aggregate classification (germline): Uncertain significance (1 of 4 stars; one submission).

Submission:

GeneDx
Classification: Uncertain significance. Last evaluated: 2022-12-28. Review status: criteria provided, single submitter. Criteria: GeneDx Variant Classification Process June 2021. Collection method: clinical testing. Allele origin: germline. Affected: yes.
Comment: Not observed at significant frequency in large population cohorts (gnomAD); In silico analysis supports that this missense variant has a deleterious effect on protein structure/function; In silico analysis supports that this missense variant has a deleterious effect on splicing; Has not been previously published as pathogenic or benign to our knowledge